The following is an entry in ClinVar:

NM_212482.4(FN1):c.6634A>G (p.Ile2212Val)

Gene: FN1 (fibronectin 1; minus strand). Cytogenetic location: 2q35.
Variant type: single nucleotide variant.
Coding change: c.6634A>G on transcript NM_212482.4 (MANE Select); coding-DNA position 6634, A replaced by G.
Protein change: p.Ile2212Val; replaces isoleucine 2212 with valine.
Molecular consequence: missense variant.
Genome position (GRCh38, 1-based): chr2:215,371,989, T>C on the plus strand (A>G on the coding strand, the complement: FN1 is on the minus strand). VCF-style: chr2-215371989-T-C. GRCh37 (hg19) VCF-style: chr2-216236712-T-C.
Other names: p.Ile2212Val; c.6541A>G, p.Ile2181Val (NM_001306129.2); c.6004A>G, p.Ile2002Val (NM_001306130.2); c.5998A>G, p.Ile2000Val (NM_001306131.2); c.5923A>G, p.Ile1975Val (NM_001306132.2); c.6364A>G, p.Ile2122Val (NM_001365517.2); c.6361A>G, p.Ile2121Val (NM_001365518.2); c.6289A>G, p.Ile2097Val (NM_001365519.2); and 10 more; short protein forms I1911V, I1975V, I2000V, I2001V, I2002V, I2006V, I2031V, I2065V.
Identifiers: ClinVar variation 1168742 (VCV001168742.19), dbSNP rs17449032, ClinGen allele CA2093802.

ClinVar aggregate classification (germline): Benign/Likely benign. Review status: criteria provided, multiple submitters, no conflicts (2 of 4 stars). 6 submissions from 6 submitters: Benign (2); Likely benign (4). Last evaluated 2026-02-04.

Conditions:
Glomerulopathy with fibronectin deposits 2 (GFND2). Identifiers: Orphanet 84090, MedGen C1866075, MONDO:0011165, OMIM 601894.
Spondylometaphyseal dysplasia - Sutcliffe type. Also called: Spondylometaphyseal Dysplasia, Corner Fracture Type; Spondylometaphyseal dysplasia, 'corner fracture' type; Sutcliffe type of spondylometaphyseal dysplasia; Sutcliffe SMD. Identifiers: Orphanet 93315, MedGen C0432221, MONDO:0008479, OMIM 184255.

Allele frequency attached by ClinVar (database versions not stated): 1000 Genomes Project 0.01597; ESP Exome Variant Server 0.01645; 1000 Genomes Project 30x 0.01686.
gnomAD v4.1: 31,281 of 1,614,126 alleles (1.9%); highest among the groups gnomAD compares: Non-Finnish European, 2.2%; 352 homozygotes.

Submissions (6):

Labcorp Genetics (formerly Invitae), Labcorp
Classification: Benign. Last evaluated: 2026-02-04. Review status: criteria provided, single submitter. Criteria: Invitae Variant Classification Sherloc (09022015). Collection method: clinical testing. Allele origin: germline.

Blueprint Genetics
Classification: Likely benign. Last evaluated: 2024-11-26. Review status: criteria provided, single submitter. Criteria: ACMG Guidelines, 2015. Collection method: clinical testing. Allele origin: germline.

Mayo Clinic Laboratories, Mayo Clinic
Classification: Benign. Last evaluated: 2024-06-13. Review status: criteria provided, single submitter. Criteria: ACMG Guidelines, 2015. Collection method: clinical testing. Allele origin: germline. Observed: 5 variant alleles.
Comment: BS1, BS2, BP4

GeneDx
Classification: Likely benign. Last evaluated: 2024-05-29. Review status: criteria provided, single submitter. Criteria: GeneDx Variant Classification Process June 2021. Collection method: clinical testing. Allele origin: germline. Affected: yes.
Comment: See Variant Classification Assertion Criteria.

Fulgent Genetics
Classification: Likely benign for Spondylometaphyseal dysplasia - Sutcliffe type; Glomerulopathy with fibronectin deposits 2. Last evaluated: 2022-03-11. Review status: criteria provided, single submitter. Criteria: ACMG Guidelines, 2015. Collection method: clinical testing. Allele origin: unknown.

Breakthrough Genomics
Classification: Likely benign. Review status: criteria provided, single submitter. Criteria: ACMG Guidelines, 2015. Collection method: not provided. Allele origin: germline. Inheritance: Autosomal dominant inheritance. Affected: yes.